The following is an entry in ClinVar:

NM_001177316.2(SLC34A3):c.925+9C>T

Gene: SLC34A3 (solute carrier family 34 member 3; plus strand). Cytogenetic location: 9q34.3.
Variant type: single nucleotide variant.
Coding change: c.925+9C>T on transcript NM_001177316.2 (MANE Select); 9 bases into the intron after coding-DNA position 925, C replaced by T.
Molecular consequence: intron variant.
Genome position (GRCh38, 1-based): chr9:137,233,950, C>T. VCF-style: chr9-137233950-C-T. GRCh37 (hg19) VCF-style: chr9-140128402-C-T.
Other names: c.925+9C>T (NM_001177317.2, NM_080877.3, NM_080877.2).
Identifiers: ClinVar variation 1935792 (VCV001935792.6), dbSNP rs1242108124, ClinGen allele CA591373908.
Genomic context (GRCh38, chr9:137,233,950, plus strand): 5'-TTCGGCCCGTGCACAGAGAAGAACAGCACAGCCCCGGCGGACAGGCTGCCCTGTGAGGCC[C>T]GGCCCACCCCAAGCCCCCTACACCCCCCACACTCCCCCTCACCGGCCCCTACATGGAGAG-3'

ClinVar aggregate classification (germline): Likely benign. Review status: criteria provided, single submitter (1 of 4 stars). 2 submissions from 2 submitters: Likely benign (1). 1 of the submissions does not count toward it. Last evaluated 2022-10-19.

Conditions:
SLC34A3-related disorder. Also called: SLC34A3-related condition.

Allele frequency attached by ClinVar (database versions not stated): gnomAD exomes 0.00002; TOPMed 0.00003.
gnomAD v4.1: 23 of 1,541,704 alleles (0.0015%); highest among the groups gnomAD compares: Admixed American, 0.0076%; no homozygotes.

Submissions (2):

Labcorp Genetics (formerly Invitae), Labcorp
Classification: Likely benign. Last evaluated: 2022-10-19. Review status: criteria provided, single submitter. Criteria: Invitae Variant Classification Sherloc (09022015). Collection method: clinical testing. Allele origin: germline.

PreventionGenetics, part of Exact Sciences
Classification: Likely benign for SLC34A3-related condition. Last evaluated: 2024-05-08. Review status: no assertion criteria provided. Collection method: clinical testing. Allele origin: germline. Not counted in ClinVar's aggregate classification.
Comment: This variant is classified as likely benign based on ACMG/AMP sequence variant interpretation guidelines (Richards et al. 2015 PMID: 25741868, with internal and published modifications).